The following is an entry in ClinVar:

NM_001130053.5(EEF1D):c.1651A>T (p.Lys551Ter)

Gene: EEF1D (eukaryotic translation elongation factor 1 delta; minus strand). Cytogenetic location: 8q24.3.
Variant type: single nucleotide variant.
Coding change: c.1651A>T on transcript NM_001130053.5 (MANE Select); coding-DNA position 1651, A replaced by T.
Protein change: p.Lys551Ter; replaces lysine 551 with a stop codon.
Molecular consequence: nonsense.
Genome position (GRCh38, 1-based): chr8:143,580,565, T>A on the plus strand (A>T on the coding strand, the complement: EEF1D is on the minus strand). VCF-style: chr8-143580565-T-A. GRCh37 (hg19) VCF-style: chr8-144662735-T-A.
Other names: c.553A>T, p.Lys185Ter (NM_001130055.4, NM_001130057.4, NM_001289950.4 and 1 more transcripts); c.481A>T, p.Lys161Ter (NM_001130056.5, NM_001317743.4, NM_001330646.3); c.496A>T, p.Lys166Ter (NM_001195203.4); c.1651A>T, p.Lys551Ter (NM_032378.7); short protein forms K161*, K166*, K185*, K551*.
Identifiers: ClinVar variation 4852418 (VCV004852418.1).

ClinVar aggregate classification (germline): Pathogenic (1 of 4 stars; one submission).

Conditions:
Neurodevelopmental disorder with thin corpus callosum, hypotonia, and absent language. Identifiers: MedGen C6012708, MONDO:0976263, OMIM 621150.

Submission:

Department of Genetics, Sultan Qaboos University Hospital
Classification: Pathogenic for Neurodevelopmental disorder with thin corpus callosum, hypotonia, and absent language. Last evaluated: 2026-04-01. Review status: criteria provided, single submitter. Criteria: ACMG Guidelines, 2015. Collection method: clinical testing. Allele origin: germline. Affected: yes. Observed: 1 variant allele.
Comment: PVS1, PP1_Strong, PM2_Supporting